The following is an entry in ClinVar:

ClinVar aggregate classification (germline): Likely benign (0 of 4 stars; one submission).

Conditions:
SHROOM2-related disorder. Also called: SHROOM2-related condition.

Allele frequency attached by ClinVar (database versions not stated): gnomAD exomes 0.00022; ESP Exome Variant Server 0.00028; ExAC 0.00057.
gnomAD v4.1: 265 of 1,205,861 alleles (0.022%); highest among the groups gnomAD compares: Middle Eastern, 0.25%; 1 homozygote.

Submission:

PreventionGenetics, part of Exact Sciences
Classification: Likely benign for SHROOM2-related condition. Last evaluated: 2019-04-24. Review status: no assertion criteria provided. Collection method: clinical testing. Allele origin: germline.
Comment: This variant is classified as likely benign based on ACMG/AMP sequence variant interpretation guidelines (Richards et al. 2015 PMID: 25741868, with internal and published modifications).

NM_001649.4(SHROOM2):c.4163C>T (p.Ala1388Val)

Gene: SHROOM2 (shroom family member 2; plus strand). Cytogenetic location: Xp22.2.
Variant type: single nucleotide variant.
Coding change: c.4163C>T on transcript NM_001649.4 (MANE Select); coding-DNA position 4163, C replaced by T.
Protein change: p.Ala1388Val; replaces alanine 1388 with valine.
Molecular consequence: missense variant.
Genome position (GRCh38, 1-based): chrX:9,939,218, C>T. VCF-style: chrX-9939218-C-T. GRCh37 (hg19) VCF-style: chrX-9907258-C-T.
Other names: c.668C>T, p.Ala223Val (NM_001320663.2, NM_001320664.2); short protein forms A1388V, A223V.
Identifiers: ClinVar variation 3046849 (VCV003046849.2), dbSNP rs200112379, ClinGen allele CA10345905.